The following is an entry in ClinVar:

NM_006231.4(POLE):c.4881T>G (p.His1627Gln)

Gene: POLE (DNA polymerase epsilon, catalytic subunit; minus strand). Cytogenetic location: 12q24.33.
Variant type: single nucleotide variant.
Coding change: c.4881T>G on transcript NM_006231.4 (MANE Select); coding-DNA position 4881, T replaced by G.
Protein change: p.His1627Gln; replaces histidine 1627 with glutamine.
Molecular consequence: missense variant.
Genome position (GRCh38, 1-based): chr12:132,642,577, A>C on the plus strand (T>G on the coding strand, the complement: POLE is on the minus strand). VCF-style: chr12-132642577-A-C. GRCh37 (hg19) VCF-style: chr12-133219163-A-C.
Other names: short protein forms H1627Q.
Identifiers: ClinVar variation 1743797 (VCV001743797.2), dbSNP rs1060504049, ClinGen allele CA387378033.

ClinVar aggregate classification (germline): Uncertain significance (1 of 4 stars; one submission).

Conditions:
Hereditary cancer-predisposing syndrome. Also called: Hereditary Cancer Syndrome; Neoplastic Syndromes, Hereditary; Tumor predisposition; Hereditary neoplastic syndrome. Identifiers: Orphanet 140162, MedGen C0027672, MeSH D009386, MONDO:0015356.

Submission:

Ambry Genetics
Classification: Uncertain significance for Hereditary cancer-predisposing syndrome. Last evaluated: 2021-10-04. Review status: criteria provided, single submitter. Criteria: Ambry Variant Classification Scheme 2023. Collection method: clinical testing. Allele origin: germline.
Comment: The p.H1627Q variant (also known as c.4881T>G), located in coding exon 37 of the POLE gene, results from a T to G substitution at nucleotide position 4881. The histidine at codon 1627 is replaced by glutamine, an amino acid with highly similar properties. This amino acid position is conserved. In addition, this alteration is predicted to be tolerated by in silico analysis. Since supporting evidence is limited at this time, the clinical significance of this alteration remains unclear.